The following is an entry in ClinVar:

ClinVar aggregate classification (germline): Uncertain significance. Review status: criteria provided, single submitter (1 of 4 stars). 2 submissions from 2 submitters: Uncertain significance (1). 1 of the submissions does not count toward it. Last evaluated 2026-03-04.

Conditions:
PHF6-related disorder. Also called: PHF6-related condition.

Submissions (2):

GeneDx
Classification: Uncertain significance. Last evaluated: 2026-03-04. Review status: criteria provided, single submitter. Criteria: GeneDx Variant Classification Process June 2021. Collection method: clinical testing. Allele origin: germline.
Comment: Not observed at significant frequency in large population cohorts (gnomAD); In silico analysis suggests that this missense variant does not alter protein structure/function; Has not been previously published as pathogenic or benign to our knowledge

PreventionGenetics, part of Exact Sciences
Classification: Uncertain significance for PHF6-related condition. Last evaluated: 2024-08-20. Review status: no assertion criteria provided. Collection method: clinical testing. Allele origin: germline. Not counted in ClinVar's aggregate classification.
Comment: The PHF6 c.701A>G variant is predicted to result in the amino acid substitution p.Lys234Arg. To our knowledge, this variant has not been reported in the literature or in a large population database, indicating this variant is rare. Alternative variant at the same codon p.Lys234Glu was reported in Börjeson–Forssman–Lehmann syndrome (Lower et al. 2002. PubMed ID: 12415272). At this time, the clinical significance of the p.Lys234Arg variant is uncertain due to the absence of conclusive functional and genetic evidence.

NM_001015877.2(PHF6):c.701A>G (p.Lys234Arg)

Gene: PHF6 (PHD finger protein 6; plus strand). Cytogenetic location: Xq26.2.
Variant type: single nucleotide variant.
Coding change: c.701A>G on transcript NM_001015877.2 (MANE Select); coding-DNA position 701, A replaced by G.
Protein change: p.Lys234Arg; replaces lysine 234 with arginine.
Molecular consequence: missense variant.
Genome position (GRCh38, 1-based): chrX:134,413,938, A>G. VCF-style: chrX-134413938-A-G. GRCh37 (hg19) VCF-style: chrX-133547968-A-G.
Other names: c.704A>G, p.Lys235Arg (NM_032335.3); c.701A>G, p.Lys234Arg (NM_032458.3); short protein forms K234R, K235R.
Identifiers: ClinVar variation 3353286 (VCV003353286.2).
Genomic context (GRCh38, chrX:134,413,938, plus strand): 5'-TTTGCCATGTAGGGGAGGAAGAAAATGAAGCACGAGGAAAACTGCATATATTTAATGCCA[A>G]GAAGGCAGCTGCCCATTATAAGTGCATGGTAAGCATGGTTCTTTTAAGCCCAATTTTGTT-3'
Protein context (NP_001015877.1, residues 224-244): ARGKLHIFNA[Lys234Arg]KAAAHYKCML